The following is an entry in ClinVar:

ClinVar aggregate classification (germline): Uncertain significance (1 of 4 stars; one submission).

Conditions:
Renal cell carcinoma. Identifiers: Orphanet 217071, MedGen C0007134, MeSH D002292, MONDO:0005086, HP:0005584.

Submission:

Labcorp Genetics (formerly Invitae), Labcorp
Classification: Uncertain significance for Renal cell carcinoma. Last evaluated: 2025-07-07. Review status: criteria provided, single submitter. Criteria: Invitae Variant Classification Sherloc (09022015). Collection method: clinical testing. Allele origin: germline.
Comment: This sequence change replaces valine, which is neutral and non-polar, with leucine, which is neutral and non-polar, at codon 702 of the MET protein (p.Val702Leu). This variant is not present in population databases (gnomAD no frequency). This variant has not been reported in the literature in individuals affected with MET-related conditions. ClinVar contains an entry for this variant (Variation ID: 1057708). An algorithm developed to predict the effect of missense changes on protein structure and function (PolyPhen-2) suggests that this variant is likely to be tolerated. In summary, the available evidence is currently insufficient to determine the role of this variant in disease. Therefore, it has been classified as a Variant of Uncertain Significance.

NM_000245.4(MET):c.2104G>C (p.Val702Leu)

Gene: MET (MET proto-oncogene, receptor tyrosine kinase; plus strand). Cytogenetic location: 7q31.2.
Variant type: single nucleotide variant.
Coding change: c.2104G>C on transcript NM_000245.4 (MANE Select); coding-DNA position 2104, G replaced by C.
Protein change: p.Val702Leu; replaces valine 702 with leucine.
Molecular consequence: missense variant.
Genome position (GRCh38, 1-based): chr7:116,758,460, G>C. VCF-style: chr7-116758460-G-C. GRCh37 (hg19) VCF-style: chr7-116398514-G-C.
Other names: c.2104G>C, p.Val702Leu (NM_001127500.3, NM_001324401.3); c.814G>C, p.Val272Leu (NM_001324402.2); short protein forms V272L, V702L.
Identifiers: ClinVar variation 1057708 (VCV001057708.10), dbSNP rs1485891606, ClinGen allele CA368980369.